The following is an entry in ClinVar:

NM_001365276.2(TNXB):c.3507C>A (p.Asp1169Glu)

Gene: TNXB (tenascin XB; minus strand). Cytogenetic location: 6p21.33.
Variant type: single nucleotide variant.
Coding change: c.3507C>A on transcript NM_001365276.2 (MANE Select); coding-DNA position 3507, C replaced by A.
Protein change: p.Asp1169Glu; replaces aspartic acid 1169 with glutamic acid.
Molecular consequence: missense variant.
Genome position (GRCh38, 1-based): chr6:32,082,265, G>T on the plus strand (C>A on the coding strand, the complement: TNXB is on the minus strand). VCF-style: chr6-32082265-G-T. GRCh37 (hg19) VCF-style: chr6-32050042-G-T.
Other names: p.Asp1169Glu; c.4248C>A, p.Asp1416Glu (NM_001428335.1); c.3507C>A, p.Asp1169Glu (NM_019105.8); short protein forms D1416E, D1169E.
Identifiers: ClinVar variation 4541144 (VCV004541144.1).

ClinVar aggregate classification (germline): Uncertain significance (1 of 4 stars; one submission).

Submission:

Mayo Clinic Laboratories, Mayo Clinic
Classification: Uncertain significance. Last evaluated: 2025-02-08. Review status: criteria provided, single submitter. Criteria: ACMG Guidelines, 2015. Collection method: clinical testing. Allele origin: germline. Observed: 1 variant allele.
Comment: BP4